The following is an entry in ClinVar:

ClinVar aggregate classification (germline): Likely pathogenic. Review status: criteria provided, multiple submitters, no conflicts (2 of 4 stars). 2 submissions from 2 submitters: Likely pathogenic (2). Last evaluated 2025-06-23.

Conditions:
Fraser syndrome 1 (FRASRS1). Also called: CRYPTOPHTHALMOS WITH OTHER MALFORMATIONS. Identifiers: Orphanet 2052, MedGen C4551480, MONDO:0054737, OMIM 219000.

Allele frequency attached by ClinVar (database versions not stated): gnomAD exomes below 0.00001.
gnomAD v4.1: 1 of 1,554,694 alleles (0.000064%); highest among the groups gnomAD compares: East Asian, 0.0022%; no homozygotes.

Submissions (2):

Women's Health and Genetics/Laboratory Corporation of America, LabCorp
Classification: Likely pathogenic for Fraser syndrome 1. Last evaluated: 2025-06-23. Review status: criteria provided, single submitter. Criteria: LabCorp Variant Classification Summary - May 2015. Collection method: clinical testing. Allele origin: germline.
Comment: Variant summary: FRAS1 c.982-1G>A is located in a canonical splice-site and is predicted to affect mRNA splicing resulting in a significantly altered protein due to either exon skipping, shortening, or inclusion of intronic material. Variants that disrupt the consensus splice site are a relatively common cause of aberrant splicing and loss of FRAS1 function. Several computational tools predict a significant impact on normal splicing: Four predict the variant abolishes a 3' acceptor site. Two predict the variant creates a 3' acceptor site. However, these predictions have yet to be confirmed by functional studies. The variant was absent in 248032 control chromosomes (gnomAD). To our knowledge, no occurrence of c.982-1G>A in individuals affected with Cryptophthalmos Syndrome and no experimental evidence demonstrating its impact on protein function have been reported. ClinVar contains an entry for this variant (Variation ID: 2753221). Based on the evidence outlined above, the variant was classified as likely pathogenic.

Labcorp Genetics (formerly Invitae), Labcorp
Classification: Likely pathogenic. Last evaluated: 2023-08-17. Review status: criteria provided, single submitter. Criteria: Invitae Variant Classification Sherloc (09022015). Collection method: clinical testing. Allele origin: germline.
Comment: Algorithms developed to predict the effect of sequence changes on RNA splicing suggest that this variant may disrupt the consensus splice site. In summary, the currently available evidence indicates that the variant is pathogenic, but additional data are needed to prove that conclusively. Therefore, this variant has been classified as Likely Pathogenic. This variant has not been reported in the literature in individuals affected with FRAS1-related conditions. This variant is not present in population databases (gnomAD no frequency). This sequence change affects an acceptor splice site in intron 9 of the FRAS1 gene. It is expected to disrupt RNA splicing. Variants that disrupt the donor or acceptor splice site typically lead to a loss of protein function (PMID: 16199547), and loss-of-function variants in FRAS1 are known to be pathogenic (PMID: 12766769, 18671281).

Literature cited by the submitters: PubMed 16199547 (cited by Labcorp Genetics (formerly Invitae), Labcorp); PubMed 12766769 (cited by Labcorp Genetics (formerly Invitae), Labcorp); PubMed 18671281 (cited by Labcorp Genetics (formerly Invitae), Labcorp).

NM_025074.7(FRAS1):c.982-1G>A

Gene: FRAS1 (Fraser extracellular matrix complex subunit 1; plus strand). Cytogenetic location: 4q21.21.
Variant type: single nucleotide variant.
Coding change: c.982-1G>A on transcript NM_025074.7 (MANE Select); the canonical splice acceptor site of the intron before coding-DNA position 982, G replaced by A.
Molecular consequence: splice acceptor variant.
Genome position (GRCh38, 1-based): chr4:78,278,654, G>A. VCF-style: chr4-78278654-G-A. GRCh37 (hg19) VCF-style: chr4-79199808-G-A.
Other names: c.982-1G>A (NM_001166133.2).
Identifiers: ClinVar variation 2753221 (VCV002753221.4), dbSNP rs1727176227, ClinGen allele CA357365213.
Genomic context (GRCh38, chr4:78,278,654, plus strand): 5'-TTAGCCCTGCTACCTGGAGATGTTAATTTGATATGTGCCACTGCAACCCTTATTTCTACA[G>A]GATGAAGAATTAATTCACTTAGATGGAAAGTGTTGTCCTGAATGCATTTCAAGGAATGGT-3'